The following is an entry in ClinVar:

NM_004646.4(NPHS1):c.2482C>A (p.Arg828=)

Gene: NPHS1 (NPHS1 adhesion molecule, nephrin; minus strand). Cytogenetic location: 19q13.12.
Variant type: single nucleotide variant.
Coding change: c.2482C>A on transcript NM_004646.4 (MANE Select); coding-DNA position 2482, C replaced by A.
Protein change: p.Arg828=; no amino-acid change (arginine 828 retained).
Molecular consequence: synonymous variant.
Genome position (GRCh38, 1-based): chr19:35,842,403, G>T on the plus strand (C>A on the coding strand, the complement: NPHS1 is on the minus strand). VCF-style: chr19-35842403-G-T. GRCh37 (hg19) VCF-style: chr19-36333305-G-T.
Identifiers: ClinVar variation 727452 (VCV000727452.14), dbSNP rs142956465, ClinGen allele CA9390124.

ClinVar aggregate classification (germline): Likely benign. Review status: criteria provided, multiple submitters, no conflicts (2 of 4 stars). 3 submissions from 3 submitters: Likely benign (2). 1 of the submissions does not count toward it. Last evaluated 2026-01-28.

Conditions:
NPHS1-related disorder. Also called: NPHS1-related condition.
Finnish congenital nephrotic syndrome (NPHS1). Also called: NEPHROTIC SYNDROME, TYPE 1. Identifiers: Orphanet 839, MedGen C0403399, MONDO:0009732, OMIM 256300.

Allele frequency attached by ClinVar (database versions not stated): 1000 Genomes Project 30x 0.00016; gnomAD 0.00016; TOPMed 0.00022.
gnomAD v4.1: 65 of 1,614,076 alleles (0.004%); highest among the groups gnomAD compares: African/African-American, 0.076%; no homozygotes.

Submissions (3):

Labcorp Genetics (formerly Invitae), Labcorp
Classification: Likely benign. Last evaluated: 2026-01-28. Review status: criteria provided, single submitter. Criteria: Invitae Variant Classification Sherloc (09022015). Collection method: clinical testing. Allele origin: germline.

Fulgent Genetics
Classification: Likely benign for Finnish congenital nephrotic syndrome. Last evaluated: 2021-09-20. Review status: criteria provided, single submitter. Criteria: ACMG Guidelines, 2015. Collection method: clinical testing. Allele origin: unknown.

PreventionGenetics, part of Exact Sciences
Classification: Likely benign for NPHS1-related condition. Last evaluated: 2019-04-25. Review status: no assertion criteria provided. Collection method: clinical testing. Allele origin: germline. Not counted in ClinVar's aggregate classification.
Comment: This variant is classified as likely benign based on ACMG/AMP sequence variant interpretation guidelines (Richards et al. 2015 PMID: 25741868, with internal and published modifications).